The following is an entry in ClinVar:

ClinVar aggregate classification (germline): Uncertain significance. Review status: criteria provided, multiple submitters, no conflicts (2 of 4 stars). 2 submissions from 2 submitters: Uncertain significance (2). Last evaluated 2025-12-15.

Conditions:
Inborn genetic diseases. Identifiers: MedGen C0950123, MeSH D030342.

Allele frequency attached by ClinVar (database versions not stated): gnomAD 0.00004 and 0.00005; gnomAD exomes 0.00004 and 0.00005; ExAC 0.00006; TOPMed 0.00006; ESP Exome Variant Server 0.00015.
gnomAD v4.1: 81 of 1,613,434 alleles (0.005%); highest among the groups gnomAD compares: Middle Eastern, 0.049%; no homozygotes.

Submissions (2):

Labcorp Genetics (formerly Invitae), Labcorp
Classification: Uncertain significance. Last evaluated: 2025-12-15. Review status: criteria provided, single submitter. Criteria: Invitae Variant Classification Sherloc (09022015). Collection method: clinical testing. Allele origin: germline.
Comment: This sequence change replaces leucine, which is neutral and non-polar, with phenylalanine, which is neutral and non-polar, at codon 298 of the MYH3 protein (p.Leu298Phe). This variant is present in population databases (rs367711644, gnomAD 0.009%). This variant has not been reported in the literature in individuals affected with MYH3-related conditions. ClinVar contains an entry for this variant (Variation ID: 1363146). Invitae Evidence Modeling of protein sequence and biophysical properties (such as structural, functional, and spatial information, amino acid conservation, physicochemical variation, residue mobility, and thermodynamic stability) indicates that this missense variant is not expected to disrupt MYH3 protein function with a negative predictive value of 95%. In summary, the available evidence is currently insufficient to determine the role of this variant in disease. Therefore, it has been classified as a Variant of Uncertain Significance.

Ambry Genetics
Classification: Uncertain significance for Inborn genetic diseases. Last evaluated: 2024-05-29. Review status: criteria provided, single submitter. Criteria: Ambry Variant Classification Scheme 2023. Collection method: clinical testing. Allele origin: germline.

NM_002470.4(MYH3):c.892C>T (p.Leu298Phe)

Gene: MYH3 (myosin heavy chain 3; minus strand). Cytogenetic location: 17p13.1.
Variant type: single nucleotide variant.
Coding change: c.892C>T on transcript NM_002470.4 (MANE Select); coding-DNA position 892, C replaced by T.
Protein change: p.Leu298Phe; replaces leucine 298 with phenylalanine.
Molecular consequence: missense variant.
Genome position (GRCh38, 1-based): chr17:10,647,188, G>A on the plus strand (C>T on the coding strand, the complement: MYH3 is on the minus strand). VCF-style: chr17-10647188-G-A. GRCh37 (hg19) VCF-style: chr17-10550505-G-A.
Other names: c.892C>T (NM_002470.3); short protein forms L298F.
Identifiers: ClinVar variation 1363146 (VCV001363146.10), dbSNP rs367711644, ClinGen allele CA8393142.